The following is an entry in ClinVar:

ClinVar aggregate classification (germline): Uncertain significance (1 of 4 stars; one submission).

Conditions:
Cardiovascular phenotype. Identifiers: MedGen CN230736.
Hereditary cancer-predisposing syndrome. Also called: Neoplastic Syndromes, Hereditary; Tumor predisposition; Hereditary neoplastic syndrome; Hereditary Cancer Syndrome. Identifiers: Orphanet 140162, MedGen C0027672, MeSH D009386, MONDO:0015356.

Submission:

Ambry Genetics
Classification: Uncertain significance for Cardiovascular phenotype; Hereditary cancer-predisposing syndrome. Last evaluated: 2025-06-13. Review status: criteria provided, single submitter. Criteria: Ambry Variant Classification Scheme 2023. Collection method: clinical testing. Allele origin: germline.
Comment: The p.N1492I variant (also known as c.4475A>T), located in coding exon 33 of the NF1 gene, results from an A to T substitution at nucleotide position 4475. The asparagine at codon 1492 is replaced by isoleucine, an amino acid with dissimilar properties. This amino acid position is conserved. In addition, this alteration is predicted to be deleterious by in silico analysis. Based on the available evidence, the clinical significance of this variant remains unclear.

NM_001042492.3(NF1):c.4538A>T (p.Asn1513Ile)

Gene: NF1 (neurofibromin 1; plus strand). Cytogenetic location: 17q11.2.
Variant type: single nucleotide variant.
Coding change: c.4538A>T on transcript NM_001042492.3 (MANE Select); coding-DNA position 4538, A replaced by T.
Protein change: p.Asn1513Ile; replaces asparagine 1513 with isoleucine.
Molecular consequence: missense variant.
Genome position (GRCh38, 1-based): chr17:31,260,476, A>T. VCF-style: chr17-31260476-A-T. GRCh37 (hg19) VCF-style: chr17-29587494-A-T.
Other names: c.4475A>T, p.Asn1492Ile (NM_000267.4); short protein forms N1513I, N1492I.
Identifiers: ClinVar variation 4038471 (VCV004038471.1).